The following is an entry in ClinVar:

NM_000064.4(C3):c.2104C>T (p.Pro702Ser)

Gene: C3 (complement C3; minus strand). Cytogenetic location: 19p13.3.
Variant type: single nucleotide variant.
Coding change: c.2104C>T on transcript NM_000064.4 (MANE Select); coding-DNA position 2104, C replaced by T.
Protein change: p.Pro702Ser; replaces proline 702 with serine.
Molecular consequence: missense variant.
Genome position (GRCh38, 1-based): chr19:6,707,217, G>A on the plus strand (C>T on the coding strand, the complement: C3 is on the minus strand). VCF-style: chr19-6707217-G-A. GRCh37 (hg19) VCF-style: chr19-6707228-G-A.
Other names: short protein forms P702S.
Identifiers: ClinVar variation 389715 (VCV000389715.9), dbSNP rs753504699, ClinGen allele CA9129188.

ClinVar aggregate classification (germline): Uncertain significance. Review status: criteria provided, multiple submitters, no conflicts (2 of 4 stars). 2 submissions from 2 submitters: Uncertain significance (2). Last evaluated 2025-08-10.

Allele frequency attached by ClinVar (database versions not stated): gnomAD exomes below 0.00001 and 0.00001; ExAC 0.00001; gnomAD 0.00001.
gnomAD v4.1: 20 of 1,613,484 alleles (0.0012%); highest among the groups gnomAD compares: Admixed American, 0.005%; no homozygotes.

Submissions (2):

Labcorp Genetics (formerly Invitae), Labcorp
Classification: Uncertain significance. Last evaluated: 2025-08-10. Review status: criteria provided, single submitter. Criteria: Invitae Variant Classification Sherloc (09022015). Collection method: clinical testing. Allele origin: germline.
Comment: This sequence change replaces proline, which is neutral and non-polar, with serine, which is neutral and polar, at codon 702 of the C3 protein (p.Pro702Ser). This variant is present in population databases (rs753504699, gnomAD 0.0009%). This variant has not been reported in the literature in individuals affected with C3-related conditions. ClinVar contains an entry for this variant (Variation ID: 389715). Invitae Evidence Modeling of protein sequence and biophysical properties (such as structural, functional, and spatial information, amino acid conservation, physicochemical variation, residue mobility, and thermodynamic stability) indicates that this missense variant is not expected to disrupt C3 protein function with a negative predictive value of 80%. In summary, the available evidence is currently insufficient to determine the role of this variant in disease. Therefore, it has been classified as a Variant of Uncertain Significance.

GeneDx
Classification: Uncertain significance. Last evaluated: 2016-09-30. Review status: criteria provided, single submitter. Criteria: GeneDx Variant Classification (06012015). Collection method: clinical testing. Allele origin: germline. Affected: yes.
Comment: The P702S variant in the C3 gene has not been reported previously as a pathogenic variant, nor as a benign variant, to our knowledge. The P702S variant was not observed in approximately 6,500 individuals of European and African American ancestry in the NHLBI Exome Sequencing Project, indicating it is not a common benign variant in these populations. The P702S variant is a non-conservative amino acid substitution, which is likely to impact secondary protein structure as these residues differ in polarity, charge, size and/or other properties. This substitution occurs at a position that is conserved in mammals. In silico analysis is inconsistent in its predictions as to whether or not the variant is damaging to the protein structure/function. We interpret P702S as a variant of uncertain significance.